The following is an entry in ClinVar:

NM_000901.5(NR3C2):c.1051G>A (p.Gly351Arg)

Gene: NR3C2 (nuclear receptor subfamily 3 group C member 2; minus strand). Cytogenetic location: 4q31.23.
Variant type: single nucleotide variant.
Coding change: c.1051G>A on transcript NM_000901.5 (MANE Select); coding-DNA position 1051, G replaced by A.
Protein change: p.Gly351Arg; replaces glycine 351 with arginine.
Molecular consequence: missense variant. On other transcripts: non-coding transcript variant (1).
Genome position (GRCh38, 1-based): chr4:148,435,810, C>T on the plus strand (G>A on the coding strand, the complement: NR3C2 is on the minus strand). VCF-style: chr4-148435810-C-T. GRCh37 (hg19) VCF-style: chr4-149356962-C-T.
Other names: c.1051G>A, p.Gly351Arg (NM_001166104.2, NM_001354819.1); short protein forms G351R.
Identifiers: ClinVar variation 3590218 (VCV003590218.2).
Genomic context (GRCh38, chr4:148,435,810, plus strand): 5'-CTTGAGCACCTTTCTCCTGCGTGTCTGGACTGGGAACCACATCCCGCAATGTACTGGATC[C>T]AGCAGAGGTGCCAGAAGCAGTGTAGCTGAAGGCATTGTTTACAGGGCTACAGATAGATCC-3'
Protein context (NP_000892.2, residues 341-361): FSYTASGTSA[Gly351Arg]SSTLRDVVPS

ClinVar aggregate classification (germline): Conflicting classifications of pathogenicity. Review status: criteria provided, conflicting classifications (1 of 4 stars). 2 submissions from 2 submitters: Uncertain significance (1); Likely benign (1). Last evaluated 2025-02-24.

Conditions:
Autosomal dominant pseudohypoaldosteronism type 1. Also called: Pseudohypoaldosteronism, Type I, Autosomal Dominant; PHA I, AUTOSOMAL DOMINANT; Pseudohypoaldosteronism, Type I, Dominant. Identifiers: Orphanet 171871, Orphanet 756, MedGen C1449842, MONDO:0008329, OMIM 177735.
Pseudohyperaldosteronism type 2. Identifiers: Orphanet 88660, MedGen C1854631, MONDO:0011517, OMIM 605115.

Submissions (2):

Women's Health and Genetics/Laboratory Corporation of America, LabCorp
Classification: Uncertain significance. Last evaluated: 2025-02-24. Review status: criteria provided, single submitter. Criteria: LabCorp Variant Classification Summary - May 2015. Collection method: clinical testing. Allele origin: germline.
Comment: Variant summary: NR3C2 c.1051G>A (p.Gly351Arg) results in a non-conservative amino acid change in the encoded protein sequence. Five of five in-silico tools predict a damaging effect of the variant on protein function. The variant allele was found at a frequency of 1.2e-05 in 251344 control chromosomes. The available data on variant occurrences in the general population are insufficient to allow any conclusion about variant significance. To our knowledge, no occurrence of c.1051G>A in individuals affected with NR3C2-Related Disorders and no experimental evidence demonstrating its impact on protein function have been reported. ClinVar contains an entry for this variant (Variation ID: 3590218). Based on the evidence outlined above, the variant was classified as uncertain significance.

Fulgent Genetics
Classification: Likely benign for Autosomal dominant pseudohypoaldosteronism type 1; Pseudohyperaldosteronism type 2. Last evaluated: 2024-04-20. Review status: criteria provided, single submitter. Criteria: ACMG Guidelines, 2015. Collection method: clinical testing. Allele origin: germline.